The following is an entry in ClinVar:

ClinVar aggregate classification (germline): Uncertain significance (1 of 4 stars; one submission).

Conditions:
Wilson disease (WND). Also called: Wilson's disease. Identifiers: Orphanet 905, MedGen C0019202, MONDO:0010200, OMIM 277900. Disease mechanism: loss of function.

Allele frequency attached by ClinVar (database versions not stated): gnomAD exomes below 0.00001; TOPMed below 0.00001.
gnomAD v4.1: 1 of 1,614,134 alleles (0.000062%); highest among the groups gnomAD compares: Non-Finnish European, 0.000085%; no homozygotes.

Submission:

Labcorp Genetics (formerly Invitae), Labcorp
Classification: Uncertain significance for Wilson disease. Last evaluated: 2022-07-29. Review status: criteria provided, single submitter. Criteria: Invitae Variant Classification Sherloc (09022015). Collection method: clinical testing. Allele origin: germline.
Comment: This sequence change replaces aspartic acid, which is acidic and polar, with asparagine, which is neutral and polar, at codon 1450 of the ATP7B protein (p.Asp1450Asn). In summary, the available evidence is currently insufficient to determine the role of this variant in disease. Therefore, it has been classified as a Variant of Uncertain Significance. Algorithms developed to predict the effect of missense changes on protein structure and function are either unavailable or do not agree on the potential impact of this missense change (SIFT: "Deleterious"; PolyPhen-2: "Possibly Damaging"; Align-GVGD: "Class C0"). This variant has not been reported in the literature in individuals affected with ATP7B-related conditions. This variant is not present in population databases (gnomAD no frequency).

NM_000053.4(ATP7B):c.4348G>A (p.Asp1450Asn)

Gene: ATP7B (ATPase copper transporting beta; minus strand). Cytogenetic location: 13q14.3.
Variant type: single nucleotide variant.
Coding change: c.4348G>A on transcript NM_000053.4 (MANE Select); coding-DNA position 4348, G replaced by A.
Protein change: p.Asp1450Asn; replaces aspartic acid 1450 with asparagine.
Molecular consequence: missense variant.
Genome position (GRCh38, 1-based): chr13:51,934,806, C>T on the plus strand (G>A on the coding strand, the complement: ATP7B is on the minus strand). VCF-style: chr13-51934806-C-T. GRCh37 (hg19) VCF-style: chr13-52508942-C-T.
Other names: c.4015G>A, p.Asp1339Asn (NM_001243182.2); c.4114G>A, p.Asp1372Asn (NM_001330578.2, NM_001406527.1, NM_001406528.1); c.4096G>A, p.Asp1366Asn (NM_001330579.2, NM_001406531.1, NM_001406532.1); c.4348G>A, p.Asp1450Asn (NM_001406511.1, NM_001406512.1); c.4342G>A, p.Asp1448Asn (NM_001406513.1); c.4315G>A, p.Asp1439Asn (NM_001406514.1); c.4294G>A, p.Asp1432Asn (NM_001406515.1, NM_001406516.1); c.4252G>A, p.Asp1418Asn (NM_001406517.1, NM_001406518.1); and 21 more; short protein forms D1020N, D1169N, D1223N, D1234N, D1243N, D1256N, D1286N, D1288N.
Identifiers: ClinVar variation 1714225 (VCV001714225.5), dbSNP rs1209223315, ClinGen allele CA388018909.